The following is an entry in ClinVar:

ClinVar aggregate classification (germline): Uncertain significance (1 of 4 stars; one submission).

Allele frequency attached by ClinVar (database versions not stated): gnomAD 0.00003.
gnomAD v4.1: 4 of 1,613,956 alleles (0.00025%); highest among the groups gnomAD compares: African/African-American, 0.0053%; no homozygotes.

Submission:

Labcorp Genetics (formerly Invitae), Labcorp
Classification: Uncertain significance. Last evaluated: 2021-04-26. Review status: criteria provided, single submitter. Criteria: Invitae Variant Classification Sherloc (09022015). Collection method: clinical testing. Allele origin: germline.
Comment: This sequence change replaces alanine with valine at codon 757 of the SBF1 protein (p.Ala757Val). The alanine residue is highly conserved and there is a small physicochemical difference between alanine and valine. In summary, the available evidence is currently insufficient to determine the role of this variant in disease. Therefore, it has been classified as a Variant of Uncertain Significance. Algorithms developed to predict the effect of sequence changes on RNA splicing suggest that this variant may create or strengthen a splice site, but this prediction has not been confirmed by published transcriptional studies. Algorithms developed to predict the effect of missense changes on protein structure and function are either unavailable or do not agree on the potential impact of this missense change (SIFT: "Deleterious"; PolyPhen-2: "Probably Damaging"; Align-GVGD: "Class C0"). This variant has not been reported in the literature in individuals with SBF1-related conditions. This variant is not present in population databases (ExAC no frequency).

NM_002972.4(SBF1):c.2270C>T (p.Ala757Val)

Gene: SBF1 (SET binding factor 1; minus strand). Cytogenetic location: 22q13.33.
Variant type: single nucleotide variant.
Coding change: c.2270C>T on transcript NM_002972.4 (MANE Select); coding-DNA position 2270, C replaced by T.
Protein change: p.Ala757Val; replaces alanine 757 with valine.
Molecular consequence: missense variant.
Genome position (GRCh38, 1-based): chr22:50,462,331, G>A on the plus strand (C>T on the coding strand, the complement: SBF1 is on the minus strand). VCF-style: chr22-50462331-G-A. GRCh37 (hg19) VCF-style: chr22-50900760-G-A.
Other names: c.2273C>T, p.Ala758Val (NM_001365819.1); short protein forms A757V, A758V.
Identifiers: ClinVar variation 1515413 (VCV001515413.8), dbSNP rs1378038674, ClinGen allele CA412210561.